The following is an entry in ClinVar:

NM_001004356.3(FGFRL1):c.1435C>G (p.His479Asp)

Gene: FGFRL1 (fibroblast growth factor receptor like 1; plus strand). Cytogenetic location: 4p16.3.
Variant type: single nucleotide variant.
Coding change: c.1435C>G on transcript NM_001004356.3 (MANE Select); coding-DNA position 1435, C replaced by G.
Protein change: p.His479Asp; replaces histidine 479 with aspartic acid.
Molecular consequence: missense variant.
Genome position (GRCh38, 1-based): chr4:1,025,267, C>G. VCF-style: chr4-1025267-C-G. GRCh37 (hg19) VCF-style: chr4-1019055-C-G.
Other names: c.1435C>G, p.His479Asp (NM_001004358.1, NM_001370296.1, NM_021923.3); c.1435C>G (NM_001004356.2); short protein forms H479D.
Identifiers: ClinVar variation 1345640 (VCV001345640.8), dbSNP rs571486674, ClinGen allele CA2803119.

ClinVar aggregate classification (germline): Uncertain significance. Review status: criteria provided, multiple submitters, no conflicts (2 of 4 stars). 3 submissions from 3 submitters: Uncertain significance (3). Last evaluated 2025-05-12.

Allele frequency attached by ClinVar (database versions not stated): gnomAD exomes 0.00008; gnomAD 0.00018 and 0.00019; 1000 Genomes Project 0.00020; TOPMed 0.00027; ExAC 0.00042.
gnomAD v4.1: 63 of 598,532 alleles (0.011%); highest among the groups gnomAD compares: African/African-American, 0.099%; no homozygotes.

Submissions (3):

Labcorp Genetics (formerly Invitae), Labcorp
Classification: Uncertain significance. Last evaluated: 2025-05-12. Review status: criteria provided, single submitter. Criteria: Invitae Variant Classification Sherloc (09022015). Collection method: clinical testing. Allele origin: germline.
Comment: This sequence change replaces histidine, which is basic and polar, with aspartic acid, which is acidic and polar, at codon 479 of the FGFRL1 protein (p.His479Asp). The frequency data for this variant in the population databases is considered unreliable, as metrics indicate poor data quality at this position in the gnomAD database. This variant has not been reported in the literature in individuals affected with FGFRL1-related conditions. ClinVar contains an entry for this variant (Variation ID: 1345640). An algorithm developed to predict the effect of missense changes on protein structure and function (PolyPhen-2) suggests that this variant is likely to be disruptive. In summary, the available evidence is currently insufficient to determine the role of this variant in disease. Therefore, it has been classified as a Variant of Uncertain Significance.

Ambry Genetics
Classification: Uncertain significance. Last evaluated: 2024-10-03. Review status: criteria provided, single submitter. Criteria: Ambry Variant Classification Scheme 2023. Collection method: clinical testing. Allele origin: germline.

Breakthrough Genomics
Classification: Uncertain significance. Review status: criteria provided, single submitter. Criteria: ACMG Guidelines, 2015. Collection method: not provided. Allele origin: germline. Inheritance: Unknown mechanism. Affected: yes.